The following is an entry in ClinVar:

ClinVar aggregate classification (germline): Uncertain significance (1 of 4 stars; one submission).

Conditions:
Inborn genetic diseases. Identifiers: MedGen C0950123, MeSH D030342.

gnomAD v4.1: 11 of 1,613,796 alleles (0.00068%); highest among the groups gnomAD compares: African/African-American, 0.004%; no homozygotes.

Submission:

Ambry Genetics
Classification: Uncertain significance for Inborn genetic diseases. Last evaluated: 2025-10-14. Review status: criteria provided, single submitter. Criteria: Ambry Variant Classification Scheme 2023. Collection method: clinical testing. Allele origin: germline.
Comment: The c.134A>G (p.Y45C) alteration is located in exon 4 (coding exon 3) of the AFF3 gene. This alteration results from a A to G substitution at nucleotide position 134, causing the tyrosine (Y) at amino acid position 45 to be replaced by a cysteine (C). Based on data from gnomAD, the G allele has an overall frequency of 0.003% (1/31412) total alleles studied. The highest observed frequency was 0.012% (1/8716) of African alleles. Based on insufficient or conflicting evidence, the clinical significance of this alteration remains unclear.

NM_001386135.1(AFF3):c.59A>G (p.Tyr20Cys)

Gene: AFF3 (ALF transcription elongation factor 3; minus strand). Cytogenetic location: 2q11.2.
Variant type: single nucleotide variant.
Coding change: c.59A>G on transcript NM_001386135.1 (MANE Select); coding-DNA position 59, A replaced by G.
Protein change: p.Tyr20Cys; replaces tyrosine 20 with cysteine.
Molecular consequence: missense variant.
Genome position (GRCh38, 1-based): chr2:100,008,927, T>C on the plus strand (A>G on the coding strand, the complement: AFF3 is on the minus strand). VCF-style: chr2-100008927-T-C. GRCh37 (hg19) VCF-style: chr2-100625389-T-C.
Other names: c.134A>G, p.Tyr45Cys (NM_001025108.2); c.59A>G, p.Tyr20Cys (NM_002285.3); short protein forms Y20C, Y45C.
Identifiers: ClinVar variation 4571376 (VCV004571376.1).
Genomic context (GRCh38, chr2:100,008,927, plus strand): 5'-TGAGTTTCTTGATTTCTTCTTTCTCGTTCTTTCCTCCGTAATGCATTTCTATCTGGTTCA[T>C]AGACACTGCATCAGGAAAAAGAAGAGAGAACAACCACACACACAAATTAAACTGTAAAGC-3'
Protein context (NP_001373064.1, residues 10-30): QEWDLESLCV[Tyr20Cys]EPDRNALRRK